The following is an entry in ClinVar:

ClinVar aggregate classification (germline): Conflicting classifications of pathogenicity. Review status: criteria provided, conflicting classifications (1 of 4 stars). 2 submissions from 2 submitters: Uncertain significance (1); Likely benign (1). Last evaluated 2025-12-29.

Conditions:
Familial hypobetalipoproteinemia 1. Also called: APOB-Related Familial Hypobetalipoproteinemia; Hypobetalipoproteinemia, normotriglyceridemic; Acanthocytosis with hypobetalipoproteinemia. Identifiers: MedGen C4551990, MONDO:0014252, OMIM 615558.
Hypercholesterolemia, autosomal dominant, type B (FHCL2). Also called: Hyperlipoproteinemia Type IIb; Familial hypercholesterolemia 2; Familial Hypercholesterolemia Type B; APOLIPOPROTEIN B-100, FAMILIAL DEFECTIVE; APOLIPOPROTEIN B-100, FAMILIAL LIGAND-DEFECTIVE; HYPERCHOLESTEROLEMIA, FAMILIAL, DUE TO LIGAND-DEFECTIVE APOLIPOPROTEIN B. Identifiers: MedGen C1704417, MONDO:0007751, OMIM 144010.
Cardiovascular phenotype. Identifiers: MedGen CN230736.

Allele frequency attached by ClinVar (database versions not stated): gnomAD exomes below 0.00001; gnomAD 0.00001; TOPMed 0.00002.
gnomAD v4.1: 4 of 1,613,980 alleles (0.00025%); highest among the groups gnomAD compares: African/African-American, 0.004%; no homozygotes.

Submissions (2):

Labcorp Genetics (formerly Invitae), Labcorp
Classification: Likely benign for Familial hypobetalipoproteinemia 1; Hypercholesterolemia, autosomal dominant, type B. Last evaluated: 2025-12-29. Review status: criteria provided, single submitter. Criteria: Invitae Variant Classification Sherloc (09022015). Collection method: clinical testing. Allele origin: germline.

Ambry Genetics
Classification: Uncertain significance for Cardiovascular phenotype. Last evaluated: 2021-10-13. Review status: criteria provided, single submitter. Criteria: Ambry Variant Classification Scheme 2023. Collection method: clinical testing. Allele origin: germline.
Comment: The p.D3805N variant (also known as c.11413G>A), located in coding exon 26 of the APOB gene, results from a G to A substitution at nucleotide position 11413. The aspartic acid at codon 3805 is replaced by asparagine, an amino acid with highly similar properties. This amino acid position is conserved. In addition, this alteration is predicted to be tolerated by in silico analysis. Since supporting evidence is limited at this time, the clinical significance of this alteration remains unclear.

NM_000384.3(APOB):c.11413G>A (p.Asp3805Asn)

Gene: APOB (apolipoprotein B; minus strand). Cytogenetic location: 2p24.1.
Variant type: single nucleotide variant.
Coding change: c.11413G>A on transcript NM_000384.3 (MANE Select); coding-DNA position 11413, G replaced by A.
Protein change: p.Asp3805Asn; replaces aspartic acid 3805 with asparagine.
Molecular consequence: missense variant.
Genome position (GRCh38, 1-based): chr2:21,005,455, C>T on the plus strand (G>A on the coding strand, the complement: APOB is on the minus strand). VCF-style: chr2-21005455-C-T. GRCh37 (hg19) VCF-style: chr2-21228327-C-T.
Other names: short protein forms D3805N.
Identifiers: ClinVar variation 1731316 (VCV001731316.3), dbSNP rs1008392420, ClinGen allele CA43491826.
Genomic context (GRCh38, chr2:21,005,455, plus strand): 5'-ACTGGGACACAGTTAACTGAGATTCAGGCACGGTTATCTCAAAAAAGGGAATCAAGGAGT[C>T]TTCTGGTTGAGAATATTTTGTTAACACATCAACTTCAGGGAATTTTACCTCGGGGAGTGT-3'
Protein context (NP_000375.3, residues 3795-3815): DVLTKYSQPE[Asp3805Asn]SLIPFFEITV